The following is an entry in ClinVar:

NM_001079802.2(FKTN):c.165+63G>T

Gene: FKTN (fukutin; plus strand). Cytogenetic location: 9q31.2.
Variant type: single nucleotide variant.
Coding change: c.165+63G>T on transcript NM_001079802.2 (MANE Select); 63 bases into the intron after coding-DNA position 165, G replaced by T.
Molecular consequence: intron variant.
Genome position (GRCh38, 1-based): chr9:105,596,720, G>T. VCF-style: chr9-105596720-G-T. GRCh37 (hg19) VCF-style: chr9-108359001-G-T.
Other names: c.165+63G>T (NM_006731.2, NM_001351496.2, NM_001198963.2 and 1 more transcripts); c.-350+63G>T (NM_001351502.2, NM_001351499.2, NM_001351500.2 and 1 more transcripts); c.-3+63G>T (NM_001351497.2).
Identifiers: ClinVar variation 5041409 (VCV005041409.1).

ClinVar aggregate classification (germline): Likely benign (1 of 4 stars; one submission).

gnomAD v4.1: 131 of 1,165,694 alleles (0.011%); highest among the groups gnomAD compares: African/African-American, 0.17%; no homozygotes.

Submission:

CeGaT Center for Human Genetics Tuebingen
Classification: Likely benign. Last evaluated: 2026-09-01. Review status: criteria provided, single submitter. Criteria: CeGaT Center For Human Genetics Tuebingen Variant Classification Criteria Version 2. Collection method: clinical testing. Allele origin: germline. Affected: yes. Observed: 1 variant allele.
Comment: FKTN: BP4, BP7